The following is an entry in ClinVar:

ClinVar aggregate classification (germline): Pathogenic/Likely pathogenic. Review status: criteria provided, multiple submitters, no conflicts (2 of 4 stars). 5 submissions from 5 submitters: Pathogenic (4); Likely pathogenic (1). Last evaluated 2025-09-10.

Conditions:
Hereditary cancer-predisposing syndrome. Also called: Hereditary neoplastic syndrome; Neoplastic Syndromes, Hereditary; Tumor predisposition; Hereditary Cancer Syndrome. Identifiers: Orphanet 140162, MedGen C0027672, MeSH D009386, MONDO:0015356.
Familial cancer of breast. Also called: BREAST CANCER, FAMILIAL; Hereditary breast cancer; hereditary breast carcinoma. Identifiers: Orphanet 227535, MedGen C0346153, MONDO:0016419, OMIM 114480. Disease mechanism: loss of function.

Submissions (5):

Color Diagnostics, LLC DBA Color Health
Classification: Pathogenic for Hereditary cancer-predisposing syndrome. Last evaluated: 2025-09-10. Review status: criteria provided, single submitter. Criteria: ACMG Guidelines, 2015. Collection method: clinical testing. Allele origin: germline.
Comment: This variant changes 1 nucleotide in exon 4 of the PALB2 gene, creating a premature translation stop signal. This variant is expected to result in an absent or non-functional protein product. This variant has been reported in at least one individual affected with dual primary breast and lung cancer (PMID: 37461096). This variant has not been identified in the general population by the Genome Aggregation Database (gnomAD). Loss of PALB2 function is a known mechanism of disease. Based on the available evidence, this variant is classified as Pathogenic.

Ambry Genetics
Classification: Pathogenic for Hereditary cancer-predisposing syndrome. Last evaluated: 2025-08-06. Review status: criteria provided, single submitter. Criteria: Ambry Variant Classification Scheme 2023. Collection method: clinical testing. Allele origin: germline.
Comment: The p.Q158* pathogenic mutation (also known as c.472C>T), located in coding exon 4 of the PALB2 gene, results from a C to T substitution at nucleotide position 472. This changes the amino acid from a glutamine to a stop codon within coding exon 4. This variant was identified in 1 of 1528 breast cancer cases and 0 of 3733 unaffected controls (Dumont M et al. Cancers (Basel), 2022 Jul;14:). This variant is considered to be rare based on population cohorts in the Genome Aggregation Database (gnomAD). This alteration is expected to result in loss of function by premature protein truncation or nonsense-mediated mRNA decay. As such, this alteration is interpreted as a disease-causing mutation.

Labcorp Genetics (formerly Invitae), Labcorp
Classification: Pathogenic for Familial cancer of breast. Last evaluated: 2024-10-28. Review status: criteria provided, single submitter. Criteria: Invitae Variant Classification Sherloc (09022015). Collection method: clinical testing. Allele origin: germline.
Comment: This sequence change creates a premature translational stop signal (p.Gln158*) in the PALB2 gene. It is expected to result in an absent or disrupted protein product. Loss-of-function variants in PALB2 are known to be pathogenic (PMID: 17200668, 17200671, 17200672, 24136930, 25099575). This variant is not present in population databases (gnomAD no frequency). This variant has not been reported in the literature in individuals affected with PALB2-related conditions. ClinVar contains an entry for this variant (Variation ID: 246291). For these reasons, this variant has been classified as Pathogenic.

Myriad Genetics, Inc.
Classification: Pathogenic for Familial cancer of breast. Last evaluated: 2023-09-06. Review status: criteria provided, single submitter. Criteria: Myriad Autosomal Dominant, Autosomal Recessive and X-Linked Classification Criteria (2023). Collection method: clinical testing. Allele origin: unknown.
Comment: This variant is considered pathogenic. This variant creates a termination codon and is predicted to result in premature protein truncation.

GeneDx
Classification: Likely pathogenic. Last evaluated: 2017-06-13. Review status: criteria provided, single submitter. Criteria: GeneDx Variant Classification (06012015). Collection method: clinical testing. Allele origin: germline. Affected: yes.
Comment: This variant is denoted PALB2 c.472C>T at the cDNA level and p.Gln158Ter (Q158X) at the protein level. The substitution creates a nonsense variant, which changes a Glutamine to a premature stop codon (CAG>TAG) and is predicted to cause loss of normal protein function through either protein truncation or nonsense-mediated mRNA decay. Although this variant has not to our knowledge been reported in the literature, it is considered likely pathogenic.

Literature cited by the submitters: PubMed 37461096 (cited by Color Diagnostics, LLC DBA Color Health); PubMed 35884425 (cited by Ambry Genetics); PubMed 17200668 (cited by Labcorp Genetics (formerly Invitae), Labcorp); PubMed 17200671 (cited by Labcorp Genetics (formerly Invitae), Labcorp); PubMed 17200672 (cited by Labcorp Genetics (formerly Invitae), Labcorp); PubMed 24136930 (cited by Labcorp Genetics (formerly Invitae), Labcorp); PubMed 25099575 (cited by Labcorp Genetics (formerly Invitae), Labcorp).

NM_024675.4(PALB2):c.472C>T (p.Gln158Ter)

Gene: PALB2 (partner and localizer of BRCA2; minus strand). Cytogenetic location: 16p12.2.
Variant type: single nucleotide variant.
Coding change: c.472C>T on transcript NM_024675.4 (MANE Select); coding-DNA position 472, C replaced by T.
Protein change: p.Gln158Ter; replaces glutamine 158 with a stop codon.
Molecular consequence: nonsense.
Genome position (GRCh38, 1-based): chr16:23,636,074, G>A on the plus strand (C>T on the coding strand, the complement: PALB2 is on the minus strand). VCF-style: chr16-23636074-G-A. GRCh37 (hg19) VCF-style: chr16-23647395-G-A.
Other names: short protein forms Q158*.
Identifiers: ClinVar variation 246291 (VCV000246291.13), dbSNP rs879254197, ClinGen allele CA10584523.
Genomic context (GRCh38, chr16:23,636,074, plus strand): 5'-CCTTTAGTCTTTTCCCAGACAATCTGAGTGAATCAGTGCCAAAGACACAGTCTCTCTCCT[G>A]TGAAATAAATGTCCTCTTCTGCTGCTTCTTTCTTCTGCTTGGCAGCTTCTGCTTTTGCTC-3'